The following is an entry in ClinVar:

ClinVar aggregate classification (germline): Likely pathogenic (1 of 4 stars; one submission).

Conditions:
Surfactant metabolism dysfunction, pulmonary, 1. Also called: INTERSTITIAL LUNG DISEASE DUE TO SURFACTANT PROTEIN B DEFICIENCY; INTERSTITIAL LUNG DISEASE, NONSPECIFIC, DUE TO SURFACTANT PROTEIN B DEFICIENCY; PULMONARY ALVEOLAR PROTEINOSIS, CONGENITAL, 1; Pulmonary surfactant protein B, deficiency of; Neonatal acute respiratory distress due to SP-B deficiency. Identifiers: Orphanet 217563, MedGen C1968602, MONDO:0009929, OMIM 265120.

gnomAD v4.1: 1 of 1,614,204 alleles (0.000062%); highest among the groups gnomAD compares: African/African-American, 0.0013%; no homozygotes.

Submission:

Johns Hopkins Genomics, Johns Hopkins University
Classification: Likely pathogenic for Surfactant metabolism dysfunction, pulmonary, 1. Last evaluated: 2024-02-22. Review status: criteria provided, single submitter. Criteria: ACMG Guidelines, 2015. Collection method: clinical testing. Allele origin: germline.
Comment: This SFTPB variant is rare (<0.1%) in a large population dataset (gnomAD v4.0.0: 1/833110 total alleles; 0.0001%; no homozygotes). It has not been reported in ClinVar, nor the literature, to our knowledge. This nonsense variant results in a premature stop codon in exon 6 of 12, likely leading to nonsense-mediated decay and lack of protein production. We consider c.439C>T in SFTPB to be likely pathogenic.

NM_000542.5(SFTPB):c.439C>T (p.Gln147Ter)

Gene: SFTPB (surfactant protein B; minus strand). Cytogenetic location: 2p11.2.
Variant type: single nucleotide variant.
Coding change: c.439C>T on transcript NM_000542.5 (MANE Select); coding-DNA position 439, C replaced by T.
Protein change: p.Gln147Ter; replaces glutamine 147 with a stop codon.
Molecular consequence: nonsense.
Genome position (GRCh38, 1-based): chr2:85,665,749, G>A on the plus strand (C>T on the coding strand, the complement: SFTPB is on the minus strand). VCF-style: chr2-85665749-G-A. GRCh37 (hg19) VCF-style: chr2-85892872-G-A.
Other names: c.439C>T, p.Gln147Ter (NM_001367281.2, NM_198843.4); short protein forms Q147*.
Identifiers: ClinVar variation 4280031 (VCV004280031.1).